The following is an entry in ClinVar:

ClinVar aggregate classification (germline): Uncertain significance. Review status: criteria provided, multiple submitters, no conflicts (2 of 4 stars). 2 submissions from 2 submitters: Uncertain significance (2). Last evaluated 2025-07-24.

Conditions:
Pyruvate dehydrogenase E3 deficiency (DLDD). Also called: Dihydrolipoamide Dehydrogenase (E3) Deficiency; MAPLE SYRUP URINE DISEASE, TYPE III; Dihydrolipoamide Dehydrogenase Deficiency; Lipoamide dehydrogenase deficiency, lactic acidosis due to; Lipoamide dehydrogenase deficiency; DLD DEFICIENCY. Identifiers: Orphanet 2394, Orphanet 765, MedGen C5574660, MONDO:0009529, OMIM 246900.

Allele frequency attached by ClinVar (database versions not stated): ExAC 0.00001; gnomAD 0.00001; gnomAD exomes 0.00001; TOPMed 0.00002.
gnomAD v4.1: 14 of 1,613,766 alleles (0.00087%); highest among the groups gnomAD compares: Non-Finnish European, 0.0012%; no homozygotes.

Submissions (2):

GeneDx
Classification: Uncertain significance. Last evaluated: 2025-07-24. Review status: criteria provided, single submitter. Criteria: GeneDx Variant Classification Process June 2021. Collection method: clinical testing. Allele origin: germline. Affected: yes.
Comment: Not observed at significant frequency in large population cohorts (gnomAD); In silico analysis supports that this missense variant has a deleterious effect on protein structure/function; Has not been previously published as pathogenic or benign to our knowledge

Labcorp Genetics (formerly Invitae), Labcorp
Classification: Uncertain significance for Pyruvate dehydrogenase E3 deficiency. Last evaluated: 2021-08-26. Review status: criteria provided, single submitter. Criteria: Invitae Variant Classification Sherloc (09022015). Collection method: clinical testing. Allele origin: germline.
Comment: This sequence change replaces proline with alanine at codon 458 of the DLD protein (p.Pro458Ala). The proline residue is moderately conserved and there is a small physicochemical difference between proline and alanine. This variant is present in population databases (rs779723449, ExAC 0.002%). This variant has not been reported in the literature in individuals affected with DLD-related conditions. Algorithms developed to predict the effect of missense changes on protein structure and function output the following: SIFT: "Tolerated"; PolyPhen-2: "Benign"; Align-GVGD: "Class C0". The alanine amino acid residue is found in multiple mammalian species, which suggests that this missense change does not adversely affect protein function. In summary, the available evidence is currently insufficient to determine the role of this variant in disease. Therefore, it has been classified as a Variant of Uncertain Significance.

NM_000108.5(DLD):c.1372C>G (p.Pro458Ala)

Genes: DLD (dihydrolipoamide dehydrogenase; plus strand), LOC129999127 (ATAC-STARR-seq lymphoblastoid active region 26499; plus strand). Cytogenetic location: 7q31.1.
Variant type: single nucleotide variant.
Coding change: c.1372C>G on transcript NM_000108.5 (MANE Select); coding-DNA position 1372, C replaced by G.
Protein change: p.Pro458Ala; replaces proline 458 with alanine.
Molecular consequence: missense variant.
Genome position (GRCh38, 1-based): chr7:107,918,059, C>G. VCF-style: chr7-107918059-C-G. GRCh37 (hg19) VCF-style: chr7-107558504-C-G.
Other names: c.1075C>G, p.Pro359Ala (NM_001289750.1); c.1303C>G, p.Pro435Ala (NM_001289751.1); c.1228C>G, p.Pro410Ala (NM_001289752.1); c.1372C>G (NM_000108.3); short protein forms P359A, P435A, P458A, P410A.
Identifiers: ClinVar variation 1424240 (VCV001424240.6), dbSNP rs779723449, ClinGen allele CA4434686.